The following is an entry in ClinVar:

NM_000264.5(PTCH1):c.2229C>G (p.Phe743Leu)

Genes: PTCH1 (patched 1; minus strand), LOC100507346 (uncharacterized LOC100507346; plus strand). Cytogenetic location: 9q22.32.
Variant type: single nucleotide variant.
Coding change: c.2229C>G on transcript NM_000264.5 (MANE Select); coding-DNA position 2229, C replaced by G.
Protein change: p.Phe743Leu; replaces phenylalanine 743 with leucine.
Molecular consequence: missense variant. On other transcripts: non-coding transcript variant (2).
Genome position (GRCh38, 1-based): chr9:95,468,772, G>C on the plus strand (C>G on the coding strand, the complement: PTCH1 is on the minus strand). VCF-style: chr9-95468772-G-C. GRCh37 (hg19) VCF-style: chr9-98231054-G-C.
Other names: c.2031C>G, p.Phe677Leu (NM_001083602.3); c.2226C>G, p.Phe742Leu (NM_001083603.3); c.1776C>G, p.Phe592Leu (NM_001083604.3, NM_001083605.3, NM_001083606.3 and 1 more transcripts); c.2073C>G, p.Phe691Leu (NM_001354918.2); short protein forms F592L, F677L, F742L, F691L, F743L.
Identifiers: ClinVar variation 3939897 (VCV003939897.1).
Genomic context (GRCh38, chr9:95,468,772, plus strand): 5'-TTTTGAAGACAGGAAGAGCCTTAAGTTGTGGCAGATTACCTTGGCTTTTGGTTTCAAGAG[G>C]AAAGGAGCATAGTGCTTCTCAGCAAAAGATGAGAGTGTCCACTTCGTACAGGGGGGCTCG-3'
Protein context (NP_000255.2, residues 733-753): SSFAEKHYAP[Phe743Leu]LLKPKAKVVV

ClinVar aggregate classification (germline): Uncertain significance (1 of 4 stars; one submission).

Conditions:
Hereditary cancer-predisposing syndrome. Also called: Tumor predisposition; Hereditary neoplastic syndrome; Hereditary Cancer Syndrome; Neoplastic Syndromes, Hereditary. Identifiers: Orphanet 140162, MedGen C0027672, MeSH D009386, MONDO:0015356.

Submission:

Ambry Genetics
Classification: Uncertain significance for Hereditary cancer-predisposing syndrome. Last evaluated: 2025-04-14. Review status: criteria provided, single submitter. Criteria: Ambry Variant Classification Scheme 2023. Collection method: clinical testing. Allele origin: germline.
Comment: The p.F743L variant (also known as c.2229C>G), located in coding exon 14 of the PTCH1 gene, results from a C to G substitution at nucleotide position 2229. The phenylalanine at codon 743 is replaced by leucine, an amino acid with highly similar properties. This amino acid position is conserved. In addition, the in silico prediction for this alteration is inconclusive. Based on the available evidence, the clinical significance of this variant remains unclear.